The following is an entry in ClinVar:

ClinVar aggregate classification (germline): Likely pathogenic (1 of 4 stars; one submission).

Conditions:
GTP cyclohydrolase I deficiency. Identifiers: MedGen C0268467, MONDO:0100184.
Dystonia 5 (DRD). Also called: Dystonia, DOPA-responsive, with or without hyperphenylalaninemia; DYT-GCH1; GTP Cyclohydrolase 1-Deficient Dopa-Responsive Dystonia; DYSTONIA, PROGRESSIVE, WITH DIURNAL VARIATION; DYSTONIA-PARKINSONISM WITH DIURNAL FLUCTUATION. Identifiers: Orphanet 98808, MedGen C1851920, MONDO:0007495, OMIM 128230.

Submission:

Labcorp Genetics (formerly Invitae), Labcorp
Classification: Likely pathogenic for GTP cyclohydrolase I deficiency; Dystonia 5. Last evaluated: 2019-01-07. Review status: criteria provided, single submitter. Criteria: Invitae Variant Classification Sherloc (09022015). Collection method: clinical testing. Allele origin: germline.
Comment: This sequence change replaces leucine with proline at codon 71 of the GCH1 protein (p.Leu71Pro). The leucine residue is moderately conserved and there is a moderate physicochemical difference between leucine and proline. In summary, the currently available evidence indicates that the variant is pathogenic, but additional data are needed to prove that conclusively. Therefore, this variant has been classified as Likely Pathogenic. This variant disrupts the p.Leu71 amino acid residue in GCH1. Other variant(s) that disrupt this residue have been observed in individuals with GCH1-related conditions (PMID: 9778264), which suggests that this may be a clinically significant amino acid residue. Algorithms developed to predict the effect of missense changes on protein structure and function are either unavailable or do not agree on the potential impact of this missense change (SIFT: "Deleterious"; PolyPhen-2: "Probably Damaging"; Align-GVGD: "Class C0"). This variant is not present in population databases (ExAC no frequency).

Literature cited by the submitters: PubMed 9778264.

NM_000161.3(GCH1):c.212T>C (p.Leu71Pro)

Gene: GCH1 (GTP cyclohydrolase 1; minus strand). Cytogenetic location: 14q22.2.
Variant type: single nucleotide variant.
Coding change: c.212T>C on transcript NM_000161.3 (MANE Select); coding-DNA position 212, T replaced by C.
Protein change: p.Leu71Pro; replaces leucine 71 with proline.
Molecular consequence: missense variant.
Genome position (GRCh38, 1-based): chr14:54,902,452, A>G on the plus strand (T>C on the coding strand, the complement: GCH1 is on the minus strand). VCF-style: chr14-54902452-A-G. GRCh37 (hg19) VCF-style: chr14-55369170-A-G.
Other names: c.212T>C, p.Leu71Pro (NM_001024024.2, NM_001024070.2, NM_001024071.2); short protein forms L71P.
Identifiers: ClinVar variation 651184 (VCV000651184.10), dbSNP rs1555362843, ClinGen allele CA389793926.